The following is an entry in ClinVar:

NM_000169.3(GLA):c.442_450del (p.Ser148_Gly150del)

Genes: GLA (galactosidase alpha; minus strand), RPL36A-HNRNPH2 (RPL36A-HNRNPH2 readthrough; plus strand). Cytogenetic location: Xq22.1.
Variant type: Deletion.
Coding change: c.442_450del on transcript NM_000169.3 (MANE Select); coding-DNA positions 442 to 450, 9 bases deleted (AGTTTTGGA; older notation c.442_450delAGTTTTGGA).
Protein change: p.Ser148_Gly150del.
Molecular consequence: inframe deletion. On other transcripts: non-coding transcript variant (3), intron variant (2).
Genome position (GRCh38, 1-based): chrX:101,401,729-101,401,737, TCCAAAACT deleted on the plus strand (AGTTTTGGA on the coding strand, the reverse complement: GLA is on the minus strand). VCF-style (leftmost placement, unchanged base first): chrX-101401728-ATCCAAAACT-A. GRCh37 (hg19) VCF-style: chrX-100656716-ATCCAAAACT-A.
Other names: c.565_573del, p.Ser189_Gly191del (NM_001406747.1, NM_001406749.1); c.442_450del, p.Ser148_Gly150del (NM_001406748.1); c.300+6272_300+6280del (NM_001199973.2); c.177+9907_177+9915del (NM_001199974.2).
Identifiers: ClinVar variation 4087060 (VCV004087060.2).
Genomic context (GRCh38, chrX:101,401,728, plus strand): 5'-CATCAAATTTTAGCAGATCTACTCCCCAGTCAGCAAAGGTCTGGGCATCAATGTCGTAGT[ATCCAAAACT>A]CCCAGGGAAGCCTGCGCAGGTTTTATTTCCAACATCTGCATAAATCCCTAGCTTCAGTCC-3'

ClinVar aggregate classification (germline): Likely pathogenic (1 of 4 stars; one submission).

Conditions:
Fabry disease. Also called: ALPHA-GALACTOSIDASE A DEFICIENCY; ANDERSON-FABRY DISEASE; CERAMIDE TRIHEXOSIDASE DEFICIENCY; GLA DEFICIENCY; HEREDITARY DYSTOPIC LIPIDOSIS; Angiokeratoma corporis diffusum. Identifiers: Orphanet 324, MedGen C0002986, MONDO:0010526, OMIM 301500, HP:0001071. Disease mechanism: Fabry disease is due to inactivating mutations in the X-linked GLA gene resulting in deficiency of the enzyme Alpha Galactosidase-A., loss of function.

Submission:

Genomenon, Inc
Classification: Likely pathogenic for Fabry disease. Last evaluated: 2026-09-08. Review status: criteria provided, single submitter. Criteria: Genomenon Sequence Variant Interpretation Standards - Updated. Collection method: curation. Allele origin: germline. Affected: yes.
Comment: GLA p.Ser148_Gly150del (c.442_450del) is an in-frame deletion that results in the loss of multiple amino acids, from Serine at codon 148 to Glycine at codon 150. This variant has been observed in at least one proband with clinical features consistent with Fabry disease (PMID:31770509;36140787). The variant was found to segregate with disease in at least one affected family (PMID:36140787). Functional or patient cell studies have been reported (PMID:36140787;31770509). It is absent or not present at a significant frequency in gnomAD. In conclusion, we classify GLA p.Ser148_Gly150del (c.442_450del) as a likely pathogenic variant.

Literature cited by the submitters: PubMed 31770509; PubMed 36140787.